The following is an entry in ClinVar:

ClinVar aggregate classification (germline): Uncertain significance. Review status: criteria provided, multiple submitters, no conflicts (2 of 4 stars). 3 submissions from 3 submitters: Uncertain significance (3). Last evaluated 2024-03-19.

Allele frequency attached by ClinVar (database versions not stated): gnomAD 0.00001; gnomAD exomes 0.00001 and 0.00003; TOPMed 0.00003; ExAC 0.00005; 1000 Genomes Project 30x 0.00016; 1000 Genomes Project 0.00020.
gnomAD v4.1: 48 of 1,598,570 alleles (0.003%); highest among the groups gnomAD compares: Middle Eastern, 0.083%; no homozygotes.

Submissions (3):

Ambry Genetics
Classification: Uncertain significance. Last evaluated: 2024-03-19. Review status: criteria provided, single submitter. Criteria: Ambry Variant Classification Scheme 2023. Collection method: clinical testing. Allele origin: germline.

Labcorp Genetics (formerly Invitae), Labcorp
Classification: Uncertain significance. Last evaluated: 2021-11-30. Review status: criteria provided, single submitter. Criteria: Invitae Variant Classification Sherloc (09022015). Collection method: clinical testing. Allele origin: germline.
Comment: This sequence change replaces alanine, which is neutral and non-polar, with valine, which is neutral and non-polar, at codon 175 of the SAMD11 protein (p.Ala175Val). The frequency data for this variant in the population databases is considered unreliable, as metrics indicate poor data quality at this position in the gnomAD database. This variant has not been reported in the literature in individuals affected with SAMD11-related conditions. ClinVar contains an entry for this variant (Variation ID: 1015275). Algorithms developed to predict the effect of missense changes on protein structure and function output the following: SIFT: "Deleterious"; PolyPhen-2: "Benign"; Align-GVGD: "Class C0". The valine amino acid residue is found in multiple mammalian species, which suggests that this missense change does not adversely affect protein function. Algorithms developed to predict the effect of sequence changes on RNA splicing suggest that this variant may create or strengthen a splice site. In summary, the available evidence is currently insufficient to determine the role of this variant in disease. Therefore, it has been classified as a Variant of Uncertain Significance.

Breakthrough Genomics
Classification: Uncertain significance. Review status: criteria provided, single submitter. Criteria: ACMG Guidelines, 2015. Collection method: not provided. Allele origin: germline. Inheritance: Unknown mechanism. Affected: yes.

NM_001385641.1(SAMD11):c.1061C>T (p.Ala354Val)

Gene: SAMD11 (sterile alpha motif domain containing 11; plus strand). Cytogenetic location: 1p36.33.
Variant type: single nucleotide variant.
Coding change: c.1061C>T on transcript NM_001385641.1 (MANE Select); coding-DNA position 1061, C replaced by T.
Protein change: p.Ala354Val; replaces alanine 354 with valine.
Molecular consequence: missense variant.
Genome position (GRCh38, 1-based): chr1:939,278, C>T. VCF-style: chr1-939278-C-T. GRCh37 (hg19) VCF-style: chr1-874658-C-T.
Other names: c.1064C>T, p.Ala355Val (NM_001385640.1); c.524C>T, p.Ala175Val (NM_152486.4); c.524C>T (NM_152486.2); short protein forms A175V, A354V, A355V.
Identifiers: ClinVar variation 1015275 (VCV001015275.6), dbSNP rs571184504, ClinGen allele CA502683.